The following is an entry in ClinVar:

ClinVar aggregate classification (germline): Uncertain significance (1 of 4 stars; one submission).

Allele frequency attached by ClinVar (database versions not stated): gnomAD exomes below 0.00001.

Submission:

Labcorp Genetics (formerly Invitae), Labcorp
Classification: Uncertain significance. Last evaluated: 2023-10-10. Review status: criteria provided, single submitter. Criteria: Invitae Variant Classification Sherloc (09022015). Collection method: clinical testing. Allele origin: germline.
Comment: This sequence change replaces histidine, which is basic and polar, with arginine, which is basic and polar, at codon 307 of the CPOX protein (p.His307Arg). This variant is not present in population databases (gnomAD no frequency). This missense change has been observed in individual(s) with autosomal recessive haderoporphyria (PMID: 10505225). ClinVar contains an entry for this variant (Variation ID: 1408242). Advanced modeling of protein sequence and biophysical properties (such as structural, functional, and spatial information, amino acid conservation, physicochemical variation, residue mobility, and thermodynamic stability) performed at Invitae indicates that this missense variant is not expected to disrupt CPOX protein function. Experimental studies have shown that this missense change affects CPOX function (PMID: 10505225). In summary, the available evidence is currently insufficient to determine the role of this variant in disease. Therefore, it has been classified as a Variant of Uncertain Significance.

Literature cited by the submitters: PubMed 10505225.

NM_000097.7(CPOX):c.920A>G (p.His307Arg)

Gene: CPOX (coproporphyrinogen oxidase; minus strand). Cytogenetic location: 3q11.2.
Variant type: single nucleotide variant.
Coding change: c.920A>G on transcript NM_000097.7 (MANE Select); coding-DNA position 920, A replaced by G.
Protein change: p.His307Arg; replaces histidine 307 with arginine.
Molecular consequence: missense variant.
Genome position (GRCh38, 1-based): chr3:98,588,746, T>C on the plus strand (A>G on the coding strand, the complement: CPOX is on the minus strand). VCF-style: chr3-98588746-T-C. GRCh37 (hg19) VCF-style: chr3-98307590-T-C.
Other names: short protein forms H307R.
Identifiers: ClinVar variation 1408242 (VCV001408242.8), dbSNP rs2107126101, ClinGen allele CA353645366.
Genomic context (GRCh38, chr3:98,588,746, plus strand): 5'-TCATGAAAGTTCAGTAACTTTACCTACCATTTTTTAAATTTGGGGTAGAGATCTGGACCA[T>C]GCTGGTCACAAGCCTCCTTCAGAGTTCTGTGAAAATGGACAGCGTCTTCTTGATTCAAGT-3'
Protein context (NP_000088.3, residues 297-317): HRTLKEACDQ[His307Arg]GPDLYPKFKK